The following is an entry in ClinVar:

ClinVar aggregate classification (germline): Uncertain significance (1 of 4 stars; one submission).

Conditions:
Cardiovascular phenotype. Identifiers: MedGen CN230736.

Submission:

Ambry Genetics
Classification: Uncertain significance for Cardiovascular phenotype. Last evaluated: 2023-12-29. Review status: criteria provided, single submitter. Criteria: Ambry Variant Classification Scheme 2023. Collection method: clinical testing. Allele origin: germline.
Comment: The p.G1062R variant (also known as c.3184G>A), located in coding exon 8 of the AKAP9 gene, results from a G to A substitution at nucleotide position 3184. The glycine at codon 1062 is replaced by arginine, an amino acid with dissimilar properties. This amino acid position is conserved. In addition, this alteration is predicted to be tolerated by in silico analysis. Since supporting evidence is limited at this time, the clinical significance of this alteration remains unclear.

NM_005751.5(AKAP9):c.3184G>A (p.Gly1062Arg)

Gene: AKAP9 (A-kinase anchoring protein 9; plus strand). Cytogenetic location: 7q21.2.
Variant type: single nucleotide variant.
Coding change: c.3184G>A on transcript NM_005751.5 (MANE Select); coding-DNA position 3184, G replaced by A.
Protein change: p.Gly1062Arg; replaces glycine 1062 with arginine.
Molecular consequence: missense variant.
Genome position (GRCh38, 1-based): chr7:92,003,101, G>A. VCF-style: chr7-92003101-G-A. GRCh37 (hg19) VCF-style: chr7-91632415-G-A.
Other names: c.3184G>A, p.Gly1062Arg (NM_147185.3); short protein forms G1062R.
Identifiers: ClinVar variation 3225039 (VCV003225039.1), dbSNP rs2484696781, ClinGen allele CA368126366.
Genomic context (GRCh38, chr7:92,003,101, plus strand): 5'-TTTGGTGAAGAATCAAAAATAATGGTGGAAGATAAAGTTTCTTTTGAAAATATGACTGTT[G>A]GAGAAGAAAGTAAGCAAGAACAGTTGATTTTGGATCACTTACCATCTGTAACAAAGGAAT-3'
Protein context (NP_005742.4, residues 1052-1072): DKVSFENMTV[Gly1062Arg]EESKQEQLIL